The following is an entry in ClinVar:

ClinVar aggregate classification (germline): Benign/Likely benign. Review status: criteria provided, multiple submitters, no conflicts (2 of 4 stars). 8 submissions from 8 submitters: Benign (6); Likely benign (2). Last evaluated 2026-02-02.

Conditions:
Spinocerebellar ataxia type 13 (SCA13). Also called: Spinocerebellar Ataxia Type13. Identifiers: Orphanet 98768, MedGen C1854488, MONDO:0011529, OMIM 605259.

Allele frequency attached by ClinVar (database versions not stated): gnomAD exomes 0.00953 and 0.01045; ExAC 0.00957; 1000 Genomes Project 0.01138; 1000 Genomes Project 30x 0.01140; ESP Exome Variant Server 0.01308; gnomAD 0.01422 and 0.01476; TOPMed 0.01547.
gnomAD v4.1: 16,748 of 1,545,834 alleles (1.1%); highest among the groups gnomAD compares: African/African-American, 2.3%; 131 homozygotes.

Submissions (27):

Labcorp Genetics (formerly Invitae), Labcorp
Classification: Benign. Last evaluated: 2026-02-02. Review status: criteria provided, single submitter. Criteria: Invitae Variant Classification Sherloc (09022015). Collection method: clinical testing. Allele origin: germline.

Mayo Clinic Laboratories, Mayo Clinic
Classification: Benign. Last evaluated: 2023-06-19. Review status: criteria provided, single submitter. Criteria: ACMG Guidelines, 2015. Collection method: clinical testing. Allele origin: germline. Observed: 12 variant alleles.
Comment: BS1, BS2, BP4, BP7

GeneDx
Classification: Likely benign. Last evaluated: 2021-05-04. Review status: criteria provided, single submitter. Criteria: GeneDx Variant Classification Process June 2021. Collection method: clinical testing. Allele origin: germline. Affected: yes.

Athena Diagnostics
Classification: Benign. Last evaluated: 2017-09-07. Review status: criteria provided, single submitter. Criteria: Athena Diagnostics Criteria. Collection method: clinical testing. Allele origin: germline.

Eurofins Ntd Llc (ga)
Classification: Benign. Last evaluated: 2016-06-16. Review status: criteria provided, single submitter. Criteria: EGL Classification Definitions 2015. Collection method: clinical testing. Allele origin: germline. Observed: 3 variant alleles, 3 heterozygotes.

Clinical Genetics DNA and cytogenetics Diagnostics Lab, Erasmus MC, Erasmus Medical Center
Classification: Benign for Spinocerebellar ataxia type 13. Last evaluated: 2015-09-21. Review status: criteria provided, single submitter. Criteria: ACGS Guidelines, 2013. Collection method: clinical testing. Allele origin: germline. Affected: yes. Study: VKGL Data-share Consensus.

Genome Diagnostics Laboratory, University Medical Center Utrecht
Classification: Benign for Spinocerebellar ataxia type 13. Last evaluated: 2014-10-10. Review status: criteria provided, single submitter. Criteria: ACGS Guidelines, 2013. Collection method: clinical testing. Allele origin: germline. Affected: yes. Study: VKGL Data-share Consensus.

Breakthrough Genomics
Classification: Likely benign. Review status: criteria provided, single submitter. Criteria: ACMG Guidelines, 2015. Collection method: not provided. Allele origin: germline. Inheritance: Autosomal dominant inheritance. Affected: yes.

Dr. Peter K. Rogan Lab, Western University
No classification provided (evidence only). Condition: Malignant tumor of urinary bladder. Review status: no classification provided. Collection method: in vitro. Allele origin: not applicable. Functional consequence: retained intron. Not counted in ClinVar's aggregate classification.

Dr. Peter K. Rogan Lab, Western University
No classification provided (evidence only). Condition: Colon adenocarcinoma. Review status: no classification provided. Collection method: in vitro. Allele origin: not applicable. Functional consequence: retained intron. Not counted in ClinVar's aggregate classification.

Dr. Peter K. Rogan Lab, Western University
No classification provided (evidence only). Condition: Colon adenocarcinoma. Review status: no classification provided. Collection method: in vitro. Allele origin: not applicable. Functional consequence: retained intron. Not counted in ClinVar's aggregate classification.

Dr. Peter K. Rogan Lab, Western University
No classification provided (evidence only). Condition: Colon adenocarcinoma. Review status: no classification provided. Collection method: in vitro. Allele origin: not applicable. Functional consequence: retained intron. Not counted in ClinVar's aggregate classification.

Dr. Peter K. Rogan Lab, Western University
No classification provided (evidence only). Condition: Colorectal cancer. Review status: no classification provided. Collection method: in vitro. Allele origin: not applicable. Functional consequence: retained intron. Not counted in ClinVar's aggregate classification.

Dr. Peter K. Rogan Lab, Western University
No classification provided (evidence only). Condition: Colorectal cancer. Review status: no classification provided. Collection method: in vitro. Allele origin: not applicable. Functional consequence: retained intron. Not counted in ClinVar's aggregate classification.

Dr. Peter K. Rogan Lab, Western University
No classification provided (evidence only). Condition: Uterine corpus endometrial carcinoma. Review status: no classification provided. Collection method: in vitro. Allele origin: not applicable. Functional consequence: retained intron. Not counted in ClinVar's aggregate classification.

Dr. Peter K. Rogan Lab, Western University
No classification provided (evidence only). Condition: Cervical cancer. Review status: no classification provided. Collection method: in vitro. Allele origin: not applicable. Functional consequence: retained intron. Not counted in ClinVar's aggregate classification.

Dr. Peter K. Rogan Lab, Western University
No classification provided (evidence only). Condition: Cervical cancer. Review status: no classification provided. Collection method: in vitro. Allele origin: not applicable. Functional consequence: retained intron. Not counted in ClinVar's aggregate classification.

Dr. Peter K. Rogan Lab, Western University
No classification provided (evidence only). Condition: Cervical cancer. Review status: no classification provided. Collection method: in vitro. Allele origin: not applicable. Functional consequence: retained intron. Not counted in ClinVar's aggregate classification.

Dr. Peter K. Rogan Lab, Western University
No classification provided (evidence only). Condition: Hepatocellular carcinoma. Review status: no classification provided. Collection method: in vitro. Allele origin: not applicable. Functional consequence: retained intron. Not counted in ClinVar's aggregate classification.

Dr. Peter K. Rogan Lab, Western University
No classification provided (evidence only). Condition: Hepatocellular carcinoma. Review status: no classification provided. Collection method: in vitro. Allele origin: not applicable. Functional consequence: retained intron. Not counted in ClinVar's aggregate classification.

Dr. Peter K. Rogan Lab, Western University
No classification provided (evidence only). Condition: Hepatocellular carcinoma. Review status: no classification provided. Collection method: in vitro. Allele origin: not applicable. Functional consequence: retained intron. Not counted in ClinVar's aggregate classification.

Dr. Peter K. Rogan Lab, Western University
No classification provided (evidence only). Condition: Hepatocellular carcinoma. Review status: no classification provided. Collection method: in vitro. Allele origin: not applicable. Functional consequence: retained intron. Not counted in ClinVar's aggregate classification.

Dr. Peter K. Rogan Lab, Western University
No classification provided (evidence only). Condition: Nonpapillary renal cell carcinoma. Review status: no classification provided. Collection method: in vitro. Allele origin: not applicable. Functional consequence: retained intron. Not counted in ClinVar's aggregate classification.

Dr. Peter K. Rogan Lab, Western University
No classification provided (evidence only). Condition: Ovarian serous cystadenocarcinoma. Review status: no classification provided. Collection method: in vitro. Allele origin: not applicable. Functional consequence: retained intron. Not counted in ClinVar's aggregate classification.

Dr. Peter K. Rogan Lab, Western University
No classification provided (evidence only). Condition: Ovarian serous cystadenocarcinoma. Review status: no classification provided. Collection method: in vitro. Allele origin: not applicable. Functional consequence: retained intron. Not counted in ClinVar's aggregate classification.

Dr. Peter K. Rogan Lab, Western University
No classification provided (evidence only). Condition: Ovarian serous cystadenocarcinoma. Review status: no classification provided. Collection method: in vitro. Allele origin: not applicable. Functional consequence: retained intron. Not counted in ClinVar's aggregate classification.

Dr. Peter K. Rogan Lab, Western University
No classification provided (evidence only). Condition: Malignant tumor of esophagus. Review status: no classification provided. Collection method: in vitro. Allele origin: not applicable. Functional consequence: retained intron. Not counted in ClinVar's aggregate classification.

NM_004977.3(KCNC3):c.1929C>T (p.Gly643=)

Gene: KCNC3 (potassium voltage-gated channel subfamily C member 3; minus strand). Cytogenetic location: 19q13.33.
Variant type: single nucleotide variant.
Coding change: c.1929C>T on transcript NM_004977.3 (MANE Select); coding-DNA position 1929, C replaced by T.
Protein change: p.Gly643=; no amino-acid change (glycine 643 retained).
Molecular consequence: synonymous variant.
Genome position (GRCh38, 1-based): chr19:50,323,024, G>A on the plus strand (C>T on the coding strand, the complement: KCNC3 is on the minus strand). VCF-style: chr19-50323024-G-A. GRCh37 (hg19) VCF-style: chr19-50826281-G-A.
Other names: p.Gly643=; c.1701C>T, p.Gly567= (NM_001372305.1).
Identifiers: ClinVar variation 288184 (VCV000288184.22), dbSNP rs111744086, ClinGen allele CA9594154.
Genomic context (GRCh38, chr19:50,323,024, plus strand): 5'-CCCAGGCTCACCTGCCCGGTTGATCTCAATCACCTCCTCCTGAGCCAACGGGCAAGGCTC[G>A]CCGGGGGCTGGCAGAGGAGGCAGCCCCATGATCCCCAGCCCACCCGCTCCCCCCCTGAGC-3'
Protein context (NP_004968.2, residues 633-653): IMGLPPLPAP[Gly643=]EPCPLAQEEV